The following is an entry in ClinVar:

NM_198578.4(LRRK2):c.368C>G (p.Thr123Arg)

Gene: LRRK2 (leucine rich repeat kinase 2; plus strand). Cytogenetic location: 12q12.
Variant type: single nucleotide variant.
Coding change: c.368C>G on transcript NM_198578.4 (MANE Select); coding-DNA position 368, C replaced by G.
Protein change: p.Thr123Arg; replaces threonine 123 with arginine.
Molecular consequence: missense variant.
Genome position (GRCh38, 1-based): chr12:40,235,646, C>G. VCF-style: chr12-40235646-C-G. GRCh37 (hg19) VCF-style: chr12-40629448-C-G.
Other names: short protein forms T123R.
Identifiers: ClinVar variation 573487 (VCV000573487.8), dbSNP rs1182341950, ClinGen allele CA384402701.

ClinVar aggregate classification (germline): Uncertain significance (1 of 4 stars; one submission).

Conditions:
Autosomal dominant Parkinson disease 8. Also called: Parkinson disease 8, susceptibility to; LRRK2-Related Parkinson Disease; Parkinson disease 8. Identifiers: Orphanet 411602, MedGen C1846862, MONDO:0011764, OMIM 607060.

Submission:

Labcorp Genetics (formerly Invitae), Labcorp
Classification: Uncertain significance for Autosomal dominant Parkinson disease 8. Last evaluated: 2018-01-16. Review status: criteria provided, single submitter. Criteria: Invitae Variant Classification Sherloc (09022015). Collection method: clinical testing. Allele origin: germline.
Comment: This variant has not been reported in the literature in individuals with LRRK2-related disease. This sequence change replaces threonine with arginine at codon 123 of the LRRK2 protein (p.Thr123Arg). The threonine residue is moderately conserved and there is a moderate physicochemical difference between threonine and arginine. This variant is not present in population databases (ExAC no frequency). In summary, the available evidence is currently insufficient to determine the role of this variant in disease. Therefore, it has been classified as a Variant of Uncertain Significance. Algorithms developed to predict the effect of missense changes on protein structure and function do not agree on the potential impact of this missense change (SIFT: "Deleterious"; PolyPhen-2: "Benign"; Align-GVGD: "Class C0").